The following is an entry in ClinVar:

NM_001374828.1(ARID1B):c.7109G>C (p.Gly2370Ala)

Gene: ARID1B (AT-rich interaction domain 1B; plus strand). Cytogenetic location: 6q25.3.
Variant type: single nucleotide variant.
Coding change: c.7109G>C on transcript NM_001374828.1 (MANE Select); coding-DNA position 7109, G replaced by C.
Protein change: p.Gly2370Ala; replaces glycine 2370 with alanine.
Molecular consequence: missense variant.
Genome position (GRCh38, 1-based): chr6:157,207,881, G>C. VCF-style: chr6-157207881-G-C. GRCh37 (hg19) VCF-style: chr6-157529015-G-C.
Other names: c.4610G>C, p.Gly1537Ala (NM_001363725.2); c.6989G>C, p.Gly2330Ala (NM_001371656.1, NM_001374820.1); c.6950G>C, p.Gly2317Ala (NM_017519.3); c.6740G>C (NM_020732.3); short protein forms G1537A, G2317A, G2330A, G2370A.
Identifiers: ClinVar variation 3375855 (VCV003375855.1).
Genomic context (GRCh38, chr6:157,207,881, plus strand): 5'-TATCAGCTGTCCTGAACTCTCTGGTTGCATCTGTCATCTGTGATGTACTGTTTCAGATTG[G>C]GCAGTTATGACATAAGTGAGAAGGCAAGCATGTGTGAGTGAAGATTAGAGGGTCACATAT-3'
Protein context (NP_001361757.1, residues 2360-2372): SVICDVLFQI[Gly2370Ala]QL

ClinVar aggregate classification (germline): Uncertain significance (1 of 4 stars; one submission).

Submission:

GeneDx
Classification: Uncertain significance. Last evaluated: 2024-04-30. Review status: criteria provided, single submitter. Criteria: GeneDx Variant Classification Process June 2021. Collection method: clinical testing. Allele origin: germline. Affected: yes.
Comment: Not observed at significant frequency in large population cohorts (gnomAD); In silico analysis supports that this missense variant has a deleterious effect on protein structure/function; Has not been previously published as pathogenic or benign to our knowledge